The following is an entry in ClinVar:

ClinVar aggregate classification (germline): Pathogenic (1 of 4 stars; one submission).

Submission:

GeneDx
Classification: Pathogenic. Last evaluated: 2024-03-25. Review status: criteria provided, single submitter. Criteria: GeneDx Variant Classification Process June 2021. Collection method: clinical testing. Allele origin: germline. Affected: yes.
Comment: Not observed at significant frequency in large population cohorts (gnomAD); Nonsense variant predicted to result in protein truncation or nonsense mediated decay in a gene for which loss of function is a known mechanism of disease; This variant is associated with the following publications: (PMID: 32736638, 23587214)

NM_000093.5(COL5A1):c.3328C>T (p.Gln1110Ter)

Gene: COL5A1 (collagen type V alpha 1 chain; plus strand). Cytogenetic location: 9q34.3.
Variant type: single nucleotide variant.
Coding change: c.3328C>T on transcript NM_000093.5 (MANE Select); coding-DNA position 3328, C replaced by T.
Protein change: p.Gln1110Ter; replaces glutamine 1110 with a stop codon.
Molecular consequence: nonsense.
Genome position (GRCh38, 1-based): chr9:134,806,258, C>T. VCF-style: chr9-134806258-C-T. GRCh37 (hg19) VCF-style: chr9-137698104-C-T.
Other names: c.3328C>T, p.Gln1110Ter (NM_001278074.1); short protein forms Q1110*.
Identifiers: ClinVar variation 3342415 (VCV003342415.1).
Genomic context (GRCh38, chr9:134,806,258, plus strand): 5'-GGGGAGAGAGGTCCAGCTGGAGCCGCTGGGCCCATCGGAATTCCAGGGAGACCTGGGCCC[C>T]AGGGACCCCCAGGGCCGGCAGGAGAGAAAGGGGCTCCTGTAAGTACTGCCTTGGATTGGG-3'